The following is an entry in ClinVar:

NM_004655.4(AXIN2):c.967C>T (p.Pro323Ser)

Gene: AXIN2 (axin 2; minus strand). Cytogenetic location: 17q24.1.
Variant type: single nucleotide variant.
Coding change: c.967C>T on transcript NM_004655.4 (MANE Select); coding-DNA position 967, C replaced by T.
Protein change: p.Pro323Ser; replaces proline 323 with serine.
Molecular consequence: missense variant.
Genome position (GRCh38, 1-based): chr17:65,541,547, G>A on the plus strand (C>T on the coding strand, the complement: AXIN2 is on the minus strand). VCF-style: chr17-65541547-G-A. GRCh37 (hg19) VCF-style: chr17-63537665-G-A.
Other names: c.967C>T, p.Pro323Ser (NM_001363813.1); short protein forms P323S.
Identifiers: ClinVar variation 4702798 (VCV004702798.2).

ClinVar aggregate classification (germline): Uncertain significance. Review status: criteria provided, multiple submitters, no conflicts (2 of 4 stars). 2 submissions from 2 submitters: Uncertain significance (2). Last evaluated 2026-07-06.

Conditions:
Oligodontia-cancer predisposition syndrome. Also called: TOOTH AGENESIS-COLORECTAL CANCER SYNDROME. Identifiers: Orphanet 300576, MedGen C1837750, MONDO:0012075, OMIM 608615. Disease mechanism: loss of function.
Hereditary cancer-predisposing syndrome. Also called: Hereditary Cancer Syndrome; Hereditary neoplastic syndrome; Neoplastic Syndromes, Hereditary; Tumor predisposition. Identifiers: Orphanet 140162, MedGen C0027672, MeSH D009386, MONDO:0015356.

gnomAD v4.1: 1 of 1,613,846 alleles (0.000062%); highest among the groups gnomAD compares: Non-Finnish European, 0.000085%; no homozygotes.

Submissions (2):

Ambry Genetics
Classification: Uncertain significance for Hereditary cancer-predisposing syndrome. Last evaluated: 2026-07-06. Review status: criteria provided, single submitter. Criteria: Ambry Variant Classification Scheme 2023. Collection method: clinical testing. Allele origin: germline.
Comment: The p.P323S variant (also known as c.967C>T), located in coding exon 3 of the AXIN2 gene, results from a C to T substitution at nucleotide position 967. The proline at codon 323 is replaced by serine, an amino acid with similar properties. This amino acid position is conserved. In addition, the in silico prediction for this alteration is inconclusive. Based on the available evidence, the clinical significance of this variant remains unclear.

Labcorp Genetics (formerly Invitae), Labcorp
Classification: Uncertain significance for Oligodontia-cancer predisposition syndrome. Last evaluated: 2025-04-09. Review status: criteria provided, single submitter. Criteria: Invitae Variant Classification Sherloc (09022015). Collection method: clinical testing. Allele origin: germline.
Comment: This sequence change replaces proline, which is neutral and non-polar, with serine, which is neutral and polar, at codon 323 of the AXIN2 protein (p.Pro323Ser). This variant is not present in population databases (gnomAD no frequency). This variant has not been reported in the literature in individuals affected with AXIN2-related conditions. Invitae Evidence Modeling of protein sequence and biophysical properties (such as structural, functional, and spatial information, amino acid conservation, physicochemical variation, residue mobility, and thermodynamic stability) indicates that this missense variant is not expected to disrupt AXIN2 protein function with a negative predictive value of 80%. In summary, the available evidence is currently insufficient to determine the role of this variant in disease. Therefore, it has been classified as a Variant of Uncertain Significance.